The following is an entry in ClinVar:

ClinVar aggregate classification (germline): Pathogenic (1 of 4 stars; one submission).

Conditions:
Neuromuscular disease caused by qualitative or quantitative defects of dysferlin. Also called: Qualitative or quantitative defects of dysferlin; Dysferlinopathy. Identifiers: Orphanet 207073, MedGen C2931687, MONDO:0016145.

Submission:

Labcorp Genetics (formerly Invitae), Labcorp
Classification: Pathogenic for Neuromuscular disease caused by qualitative or quantitative defects of dysferlin. Last evaluated: 2019-08-07. Review status: criteria provided, single submitter. Criteria: Invitae Variant Classification Sherloc (09022015). Collection method: clinical testing. Allele origin: germline.
Comment: Loss-of-function variants in DYSF are known to be pathogenic (PMID: 17698709, 20301480). This sequence change creates a premature translational stop signal (p.Pro1805Hisfs*19) in the DYSF gene. It is expected to result in an absent or disrupted protein product. This variant is not present in population databases (ExAC no frequency). This variant has not been reported in the literature in individuals with DYSF-related conditions. For these reasons, this variant has been classified as Pathogenic.

Literature cited by the submitters: PubMed 17698709; PubMed 20301480.

NM_001130987.2(DYSF):c.5531del (p.Pro1844fs)

Gene: DYSF (dysferlin; plus strand). Cytogenetic location: 2p13.2.
Variant type: Deletion.
Coding change: c.5531del on transcript NM_001130987.2 (MANE Select); coding-DNA position 5531, one base deleted (C; older notation c.5531delC).
Protein change: p.Pro1844fs; shifts the reading frame from proline 1844.
Molecular consequence: frameshift variant.
Genome position (GRCh38, 1-based): chr2:71,668,827, C deleted; the last of 4 consecutive C bases (chr2:71,668,824-71,668,827); deleting any one gives the same sequence. VCF-style (leftmost placement, unchanged base first): chr2-71668823-AC-A. GRCh37 (hg19) VCF-style: chr2-71895953-AC-A.
Other names: c.5417del, p.Pro1806fs (NM_001130455.2); c.5372del, p.Pro1791fs (NM_001130976.2); c.5435del, p.Pro1812fs (NM_001130977.2); c.5477del, p.Pro1826fs (NM_001130978.2); c.5507del, p.Pro1836fs (NM_001130979.2); c.5465del, p.Pro1822fs (NM_001130980.2); c.5528del, p.Pro1843fs (NM_001130981.2); c.5510del, p.Pro1837fs (NM_001130982.2); and 5 more; short protein forms P1792fs, P1813fs, P1826fs, P1837fs, P1843fs, P1791fs, P1805fs, P1806fs.
Identifiers: ClinVar variation 962312 (VCV000962312.7), dbSNP rs1553415211, ClinGen allele CA1139657091.